The following is an entry in ClinVar:

ClinVar aggregate classification (germline): Likely pathogenic (0 of 4 stars; one submission).

Conditions:
X-linked Alport syndrome (ATS1). Also called: NEPHROPATHY AND DEAFNESS, X-LINKED; COL4A5-Related Nephropathy. Identifiers: Orphanet 63, Orphanet 88917, MedGen C4746986, MONDO:0010520, OMIM 301050.

Submission:

CGC Genetics, Unilabs
Classification: Likely pathogenic for X-linked Alport syndrome. Last evaluated: 2024-11-19. Review status: no assertion criteria provided. Collection method: clinical testing. Allele origin: paternal. Inheritance: X-linked dominant inheritance. Affected: yes.
Comment: The variant NM_000495.5:c.1009G>A p.(Gly337Ser), detected in heterozygosity in exon 18 (of 51) of the COL4A5 gene (chr.X) has been described in the literature in patients with Alport syndrome (PMID: 25307721, and has also been detected in our internal database, both in index cases and segregating in families). It is absent from gnomAD v4. Bioinformatic analysis, which also includes residue conservation data, predicts that this variant has a deleterious effect. It is a missense variant that affects the first position of a glycine residue in the COL4A5 protein, which is a common disease mechanism (PMID: 34400539). In addition, other variants have been described in this residue, namely COL4A5:c.1010G>T, also in a patient with Alport syndrome (PMID: 26934356), however, at the time of this submission, there are not enough criteria to apply the PM5 criterion. With the information currently available, this should be classified as a probably pathogenic variant with the following ACMG codes: PM2_supporting; PP3_strong: PP1_supporting; PP2.

Literature cited by the submitters: PubMed 25307721; PubMed 34400539; PubMed 26934356.

NM_033380.3(COL4A5):c.1009G>A (p.Gly337Ser)

Gene: COL4A5 (collagen type IV alpha 5 chain; plus strand). Cytogenetic location: Xq22.3.
Variant type: single nucleotide variant.
Coding change: c.1009G>A on transcript NM_033380.3 (MANE Select); coding-DNA position 1009, G replaced by A.
Protein change: p.Gly337Ser; replaces glycine 337 with serine.
Molecular consequence: missense variant.
Genome position (GRCh38, 1-based): chrX:108,584,502, G>A. VCF-style: chrX-108584502-G-A. GRCh37 (hg19) VCF-style: chrX-107827732-G-A.
Other names: c.1009G>A, p.Gly337Ser (NM_000495.5); short protein forms G337S.
Identifiers: ClinVar variation 3381207 (VCV003381207.2), dbSNP rs1210495852.